The following is an entry in ClinVar:

ClinVar aggregate classification (germline): Likely benign (0 of 4 stars; one submission).

Conditions:
TGFB2-related disorder. Also called: TGFB2-related condition.

Submission:

PreventionGenetics, part of Exact Sciences
Classification: Likely benign for TGFB2-related condition. Last evaluated: 2024-06-07. Review status: no assertion criteria provided. Collection method: clinical testing. Allele origin: germline.
Comment: This variant is classified as likely benign based on ACMG/AMP sequence variant interpretation guidelines (Richards et al. 2015 PMID: 25741868, with internal and published modifications).

NM_003238.6(TGFB2):c.954C>T (p.Cys318=)

Gene: TGFB2 (transforming growth factor beta 2; plus strand). Cytogenetic location: 1q41.
Variant type: single nucleotide variant.
Coding change: c.954C>T on transcript NM_003238.6 (MANE Select); coding-DNA position 954, C replaced by T.
Protein change: p.Cys318=; no amino-acid change (cysteine 318 retained).
Molecular consequence: synonymous variant. On other transcripts: non-coding transcript variant (2).
Genome position (GRCh38, 1-based): chr1:218,437,364, C>T. VCF-style: chr1-218437364-C-T. GRCh37 (hg19) VCF-style: chr1-218610706-C-T.
Other names: c.1038C>T, p.Cys346= (NM_001135599.4).
Identifiers: ClinVar variation 3345268 (VCV003345268.1).